The following is an entry in ClinVar:

ClinVar aggregate classification (germline): Uncertain significance (1 of 4 stars; one submission).

Allele frequency attached by ClinVar (database versions not stated): TOPMed below 0.00001; ExAC 0.00001; gnomAD exomes 0.00001.

Submission:

Labcorp Genetics (formerly Invitae), Labcorp
Classification: Uncertain significance. Last evaluated: 2025-06-04. Review status: criteria provided, single submitter. Criteria: Invitae Variant Classification Sherloc (09022015). Collection method: clinical testing. Allele origin: germline.
Comment: This sequence change replaces serine, which is neutral and polar, with glycine, which is neutral and non-polar, at codon 419 of the TWNK protein (p.Ser419Gly). This variant is present in population databases (rs777033943, gnomAD 0.009%). This variant has not been reported in the literature in individuals affected with TWNK-related conditions. ClinVar contains an entry for this variant (Variation ID: 1923409). Invitae Evidence Modeling of protein sequence and biophysical properties (such as structural, functional, and spatial information, amino acid conservation, physicochemical variation, residue mobility, and thermodynamic stability) indicates that this missense variant is expected to disrupt TWNK protein function with a positive predictive value of 95%. In summary, the available evidence is currently insufficient to determine the role of this variant in disease. Therefore, it has been classified as a Variant of Uncertain Significance.

NM_021830.5(TWNK):c.1255A>G (p.Ser419Gly)

Gene: TWNK (twinkle mtDNA helicase; plus strand). Cytogenetic location: 10q24.31.
Variant type: single nucleotide variant.
Coding change: c.1255A>G on transcript NM_021830.5 (MANE Select); coding-DNA position 1255, A replaced by G.
Protein change: p.Ser419Gly; replaces serine 419 with glycine.
Molecular consequence: missense variant. On other transcripts: 5 prime UTR variant (2), non-coding transcript variant (2), intron variant (1).
Genome position (GRCh38, 1-based): chr10:100,989,655, A>G. VCF-style: chr10-100989655-A-G. GRCh37 (hg19) VCF-style: chr10-102749412-A-G.
Other names: c.1255A>G, p.Ser419Gly (NM_001163812.2); c.-108A>G (NM_001163813.2, NM_001163814.2); c.-57-51A>G (NM_001368275.1); short protein forms S419G.
Identifiers: ClinVar variation 1923409 (VCV001923409.5), dbSNP rs777033943, ClinGen allele CA5653205.